The following is an entry in ClinVar:

ClinVar aggregate classification (germline): Likely pathogenic (1 of 4 stars; one submission).

Conditions:
Branchiootorenal syndrome 1. Also called: Branchio-Oto-Renal Syndrome 1. Identifiers: Orphanet 107, MedGen C4551702, MONDO:0007236, OMIM 113650.

Submission:

Institute of Rare Diseases, West China Hospital, Sichuan University
Classification: Likely pathogenic for Branchiootorenal syndrome 1. Last evaluated: 2025-01-09. Review status: criteria provided, single submitter. Criteria: ClinGen HL ACMG Specifications v1. Collection method: research. Allele origin: germline. Affected: yes.
Comment: PVS1;PM2_Supporting

NM_000503.6(EYA1):c.966+2_966+13del

Gene: EYA1 (EYA transcriptional coactivator and phosphatase 1; minus strand). Cytogenetic location: 8q13.3.
Variant type: Deletion.
Coding change: c.966+2_966+13del on transcript NM_000503.6 (MANE Select); the canonical splice donor site of the intron after coding-DNA position 966 through 13 bases into the intron after coding-DNA position 966, 12 bases deleted (TACGTCATAGCC).
Molecular consequence: splice donor variant.
Genome position (GRCh38, 1-based): chr8:71,271,745-71,271,756, GGCTATGACGTA deleted on the plus strand (TACGTCATAGCC on the coding strand, the reverse complement: EYA1 is on the minus strand). VCF-style (leftmost placement, unchanged base first): chr8-71271744-TGGCTATGACGTA-T. GRCh37 (hg19) VCF-style: chr8-72183979-TGGCTATGACGTA-T.
Other names: c.1035+2_1035+13del (NM_001370336.1); c.1053+2_1053+13del (NM_001370333.1); c.966+2_966+13del (NM_001370335.1, NM_001370334.1, NM_172058.4); c.1038+2_1038+13del (NM_172059.5); c.867+2_867+13del (NM_001411797.1, NM_172060.4); c.600+2_600+13del (NM_001288575.2); c.948+2_948+13del (NM_001288574.2).
Identifiers: ClinVar variation 3601114 (VCV003601114.1).